The following is an entry in ClinVar:

ClinVar aggregate classification (germline): Pathogenic (1 of 4 stars; one submission).

Submission:

CeGaT Center for Human Genetics Tuebingen
Classification: Pathogenic. Last evaluated: 2026-01-01. Review status: criteria provided, single submitter. Criteria: CeGaT Center For Human Genetics Tuebingen Variant Classification Criteria Version 2. Collection method: clinical testing. Allele origin: germline. Affected: yes. Observed: 2 variant alleles.
Comment: IGF1R: PVS1, PM2

NM_000875.5(IGF1R):c.909C>A (p.Cys303Ter)

Gene: IGF1R (insulin like growth factor 1 receptor; plus strand). Cytogenetic location: 15q26.3.
Variant type: single nucleotide variant.
Coding change: c.909C>A on transcript NM_000875.5 (MANE Select); coding-DNA position 909, C replaced by A.
Protein change: p.Cys303Ter; replaces cysteine 303 with a stop codon.
Molecular consequence: nonsense.
Genome position (GRCh38, 1-based): chr15:98,891,593, C>A. VCF-style: chr15-98891593-C-A. GRCh37 (hg19) VCF-style: chr15-99434822-C-A.
Other names: c.909C>A, p.Cys303Ter (NM_001291858.2); short protein forms C303*.
Identifiers: ClinVar variation 4823231 (VCV004823231.4).